The following is an entry in ClinVar:

NM_018979.4(WNK1):c.4123G>A (p.Val1375Ile)

Gene: WNK1 (WNK lysine deficient protein kinase 1; plus strand). Cytogenetic location: 12p13.33.
Variant type: single nucleotide variant.
Coding change: c.4123G>A on transcript NM_018979.4 (MANE Select); coding-DNA position 4123, G replaced by A.
Protein change: p.Val1375Ile; replaces valine 1375 with isoleucine.
Molecular consequence: missense variant.
Genome position (GRCh38, 1-based): chr12:884,927, G>A. VCF-style: chr12-884927-G-A. GRCh37 (hg19) VCF-style: chr12-994093-G-A.
Other names: c.4903G>A, p.Val1635Ile (NM_001184985.2); c.3382G>A, p.Val1128Ile (NM_014823.3); c.4879G>A, p.Val1627Ile (NM_213655.5); short protein forms V1627I, V1128I, V1635I, V1375I.
Identifiers: ClinVar variation 2928182 (VCV002928182.3), dbSNP rs764132647, ClinGen allele CA383330613.

ClinVar aggregate classification (germline): Uncertain significance (1 of 4 stars; one submission).

Conditions:
Neuropathy, hereditary sensory and autonomic, type 2A (HSAN2A). Also called: HSAN IIA; WNK1-Related HSAN2 (HSAN2A); ACROOSTEOLYSIS, GIACCAI TYPE; ACROOSTEOLYSIS, NEUROGENIC; MORVAN DISEASE; NEUROPATHY, CONGENITAL SENSORY. Identifiers: Orphanet 970, MedGen C2752089, MONDO:0024309, OMIM 201300.
Pseudohypoaldosteronism type 2C (PHA2C). Also called: Pseudohypoaldosteronism Type IIC. Identifiers: Orphanet 757, Orphanet 88940, MedGen C1840391, MONDO:0013778, OMIM 614492.

gnomAD v4.1: 6 of 1,614,140 alleles (0.00037%); highest among the groups gnomAD compares: Non-Finnish European, 0.00051%; no homozygotes.

Submission:

Labcorp Genetics (formerly Invitae), Labcorp
Classification: Uncertain significance for Neuropathy, hereditary sensory and autonomic, type 2A; Pseudohypoaldosteronism type 2C. Last evaluated: 2023-01-01. Review status: criteria provided, single submitter. Criteria: Invitae Variant Classification Sherloc (09022015). Collection method: clinical testing. Allele origin: germline.
Comment: In summary, the available evidence is currently insufficient to determine the role of this variant in disease. Therefore, it has been classified as a Variant of Uncertain Significance. Advanced modeling of protein sequence and biophysical properties (such as structural, functional, and spatial information, amino acid conservation, physicochemical variation, residue mobility, and thermodynamic stability) performed at Invitae indicates that this missense variant is not expected to disrupt WNK1 protein function. This variant has not been reported in the literature in individuals affected with WNK1-related conditions. This variant is present in population databases (no rsID available, gnomAD 0.0009%). This sequence change replaces valine, which is neutral and non-polar, with isoleucine, which is neutral and non-polar, at codon 1627 of the WNK1 protein (p.Val1627Ile).